The following is an entry in ClinVar:

ClinVar aggregate classification (germline): Likely pathogenic (1 of 4 stars; one submission).

Conditions:
Ceroid lipofuscinosis, neuronal, 6A. Also called: Neuronal ceroid lipofuscinosis, Gypsy/Indian early juvenile variant; Neuronal ceroid lipofuscinosis 6; CLN6-Related Neuronal Ceroid-Lipofuscinosis; Neuronal ceroid lipofuscinosis, late infantile, variant. Identifiers: Orphanet 168491, Orphanet 228363, MedGen C5551375, MONDO:0011144, OMIM 601780.

Submission:

3billion
Classification: Likely pathogenic for Ceroid lipofuscinosis, neuronal, 6A. Last evaluated: 2024-01-23. Review status: criteria provided, single submitter. Criteria: ACMG Guidelines, 2015. Collection method: clinical testing. Allele origin: germline. Affected: yes.
Comment: The variant is not observed in the gnomAD v2.1.1 dataset. Predicted Consequence/Location: Frameshift: predicted to result in a loss or disruption of normal protein function through protein truncation. The predicted truncated protein may be shortened by more than 10%. Therefore, this variant is classified as Likely pathogenic according to the recommendation of ACMG/AMP guideline.

NM_017882.3(CLN6):c.624_625dup (p.Pro209fs)

Gene: CLN6 (CLN6 transmembrane ER protein; minus strand). Cytogenetic location: 15q23.
Variant type: Duplication.
Coding change: c.624_625dup on transcript NM_017882.3 (MANE Select); coding-DNA positions 624 to 625, 2 bases duplicated (GC; older notation c.624_625dupGC).
Protein change: p.Pro209fs; shifts the reading frame from proline 209.
Molecular consequence: frameshift variant.
Genome position (GRCh38, 1-based): chr15:68,209,677-68,209,678, GC duplicated on the plus strand (GC on the coding strand, the reverse complement: CLN6 is on the minus strand). VCF-style (leftmost placement, unchanged base first): chr15-68209676-G-GGC. GRCh37 (hg19) VCF-style: chr15-68502014-G-GGC.
Other names: c.720_721dup, p.Pro241fs (NM_001411068.1); short protein forms P209fs, P241fs.
Identifiers: ClinVar variation 3776266 (VCV003776266.1).